The following is an entry in ClinVar:

ClinVar aggregate classification (germline): Uncertain significance (1 of 4 stars; one submission).

Conditions:
Tuberous sclerosis 1 (TSC1). Identifiers: Orphanet 805, MedGen C1854465, MONDO:0008612, OMIM 191100.

Submission:

Labcorp Genetics (formerly Invitae), Labcorp
Classification: Uncertain significance for Tuberous sclerosis 1. Last evaluated: 2023-06-09. Review status: criteria provided, single submitter. Criteria: Invitae Variant Classification Sherloc (09022015). Collection method: clinical testing. Allele origin: germline.
Comment: In summary, the available evidence is currently insufficient to determine the role of this variant in disease. Therefore, it has been classified as a Variant of Uncertain Significance. Advanced modeling of protein sequence and biophysical properties (such as structural, functional, and spatial information, amino acid conservation, physicochemical variation, residue mobility, and thermodynamic stability) performed at Invitae indicates that this missense variant is not expected to disrupt TSC1 protein function. This variant has not been reported in the literature in individuals affected with TSC1-related conditions. This variant is not present in population databases (gnomAD no frequency). This sequence change replaces leucine, which is neutral and non-polar, with isoleucine, which is neutral and non-polar, at codon 129 of the TSC1 protein (p.Leu129Ile).

NM_000368.5(TSC1):c.385C>A (p.Leu129Ile)

Gene: TSC1 (TSC complex subunit 1; minus strand). Cytogenetic location: 9q34.13.
Variant type: single nucleotide variant.
Coding change: c.385C>A on transcript NM_000368.5 (MANE Select); coding-DNA position 385, C replaced by A.
Protein change: p.Leu129Ile; replaces leucine 129 with isoleucine.
Molecular consequence: missense variant. On other transcripts: 5 prime UTR variant (5), non-coding transcript variant (5).
Genome position (GRCh38, 1-based): chr9:132,923,471, G>T on the plus strand (C>A on the coding strand, the complement: TSC1 is on the minus strand). VCF-style: chr9-132923471-G-T. GRCh37 (hg19) VCF-style: chr9-135798858-G-T.
Other names: c.385C>A, p.Leu129Ile (NM_001162426.2, NM_001406592.1, NM_001406593.1 and 16 more transcripts); c.232C>A, p.Leu78Ile (NM_001162427.2, NM_001406610.1, NM_001406611.1 and 2 more transcripts); c.22C>A, p.Leu8Ile (NM_001362177.2, NM_001406619.1, NM_001406620.1 and 10 more transcripts); c.-493C>A (NM_001406626.1, NM_001406627.1, NM_001406628.1); c.-635C>A (NM_001406629.1); c.-709C>A (NM_001406630.1); short protein forms L78I, L129I, L8I.
Identifiers: ClinVar variation 2902420 (VCV002902420.3), dbSNP rs1060503198, ClinGen allele CA375373679.